The following is an entry in ClinVar:

ClinVar aggregate classification (germline): Uncertain significance. Review status: criteria provided, multiple submitters, no conflicts (2 of 4 stars). 2 submissions from 2 submitters: Uncertain significance (2). Last evaluated 2022-05-11.

Conditions:
Inborn genetic diseases. Identifiers: MedGen C0950123, MeSH D030342.
Glutamate formiminotransferase deficiency. Also called: Arakawa syndrome 1; Formiminoglutamic aciduria. Identifiers: Orphanet 51208, MedGen C0268609, MONDO:0009240, OMIM 229100.

Allele frequency attached by ClinVar (database versions not stated): gnomAD exomes below 0.00001.
gnomAD v4.1: 2 of 1,612,794 alleles (0.00012%); highest among the groups gnomAD compares: South Asian, 0.0022%; no homozygotes.

Submissions (2):

Ambry Genetics
Classification: Uncertain significance for Inborn genetic diseases. Last evaluated: 2022-05-11. Review status: criteria provided, single submitter. Criteria: Ambry Variant Classification Scheme 2023. Collection method: clinical testing. Allele origin: germline.

Labcorp Genetics (formerly Invitae), Labcorp
Classification: Uncertain significance for Glutamate formiminotransferase deficiency. Last evaluated: 2021-09-15. Review status: criteria provided, single submitter. Criteria: Invitae Variant Classification Sherloc (09022015). Collection method: clinical testing. Allele origin: germline.
Comment: In summary, the available evidence is currently insufficient to determine the role of this variant in disease. Therefore, it has been classified as a Variant of Uncertain Significance. Algorithms developed to predict the effect of missense changes on protein structure and function are either unavailable or do not agree on the potential impact of this missense change (SIFT: "Deleterious"; PolyPhen-2: "Probably Damaging"; Align-GVGD: "Class C0"). This variant has not been reported in the literature in individuals affected with FTCD-related conditions. This variant is not present in population databases (ExAC no frequency). This sequence change replaces methionine with threonine at codon 75 of the FTCD protein (p.Met75Thr). The methionine residue is highly conserved and there is a moderate physicochemical difference between methionine and threonine.

NM_206965.2(FTCD):c.224T>C (p.Met75Thr)

Gene: FTCD (formimidoyltransferase cyclodeaminase; minus strand). Cytogenetic location: 21q22.3.
Variant type: single nucleotide variant.
Coding change: c.224T>C on transcript NM_206965.2 (MANE Select); coding-DNA position 224, T replaced by C.
Protein change: p.Met75Thr; replaces methionine 75 with threonine.
Molecular consequence: missense variant.
Genome position (GRCh38, 1-based): chr21:46,154,163, A>G on the plus strand (T>C on the coding strand, the complement: FTCD is on the minus strand). VCF-style: chr21-46154163-A-G. GRCh37 (hg19) VCF-style: chr21-47574077-A-G.
Other names: c.224T>C, p.Met75Thr (NM_001320412.2, NM_006657.3); c.224T>C (NM_006657.2); short protein forms M75T.
Identifiers: ClinVar variation 1503066 (VCV001503066.7), dbSNP rs2123584379, ClinGen allele CA410522258.